The following is an entry in ClinVar:

ClinVar aggregate classification (germline): Uncertain significance (1 of 4 stars; one submission).

Conditions:
Spinocerebellar ataxia type 42. Identifiers: Orphanet 458803, MedGen C4225205, MONDO:0014776, OMIM 616795.

Submission:

Baylor Genetics
Classification: Uncertain significance for Spinocerebellar ataxia type 42. Last evaluated: 2020-06-08. Review status: criteria provided, single submitter. Criteria: ACMG Guidelines, 2015. Collection method: clinical testing. Allele origin: unknown. Affected: yes.
Comment: This variant was determined to be of uncertain significance according to ACMG Guidelines, 2015 [PMID:25741868].

NM_018896.5(CACNA1G):c.6944C>T (p.Pro2315Leu)

Gene: CACNA1G (calcium voltage-gated channel subunit alpha1 G; plus strand). Cytogenetic location: 17q21.33.
Variant type: single nucleotide variant.
Coding change: c.6944C>T on transcript NM_018896.5 (MANE Select); coding-DNA position 6944, C replaced by T.
Protein change: p.Pro2315Leu; replaces proline 2315 with leucine.
Molecular consequence: missense variant. On other transcripts: non-coding transcript variant (5).
Genome position (GRCh38, 1-based): chr17:50,626,561, C>T. VCF-style: chr17-50626561-C-T. GRCh37 (hg19) VCF-style: chr17-48703922-C-T.
Other names: c.6755C>T, p.Pro2252Leu (NM_001256324.2); c.6686C>T, p.Pro2229Leu (NM_001256325.2); c.6674C>T, p.Pro2225Leu (NM_001256326.2); c.6644C>T, p.Pro2215Leu (NM_001256327.2); c.6590C>T, p.Pro2197Leu (NM_001256328.2); c.6563C>T, p.Pro2188Leu (NM_001256329.2, NM_198387.3); c.6530C>T, p.Pro2177Leu (NM_001256330.2); c.6509C>T, p.Pro2170Leu (NM_001256331.2); and 18 more; short protein forms P2109L, P2165L, P2170L, P2204L, P2215L, P2236L, P2252L, P2132L.
Identifiers: ClinVar variation 1030681 (VCV001030681.1), dbSNP rs1192468690, ClinGen allele CA400240082.